The following is an entry in ClinVar:

ClinVar aggregate classification (germline): Uncertain significance. Review status: criteria provided, multiple submitters, no conflicts (2 of 4 stars). 7 submissions from 7 submitters: Uncertain significance (6). 1 of the submissions does not count toward it. Last evaluated 2025-04-28.

Conditions:
Hereditary cancer-predisposing syndrome. Also called: Hereditary neoplastic syndrome; Tumor predisposition; Neoplastic Syndromes, Hereditary; Hereditary Cancer Syndrome. Identifiers: Orphanet 140162, MedGen C0027672, MeSH D009386, MONDO:0015356.
Fanconi anemia complementation group C (FANCC). Also called: FANCONI PANCYTOPENIA, TYPE 3; FACC; Fanconi anemia, group C; FANCC-Related Fanconi Anemia. Identifiers: Orphanet 84, MedGen C3468041, MONDO:0009213, OMIM 227645.
Fanconi anemia (FA). Also called: Fanconi's anemia. Identifiers: Orphanet 84, MedGen C0015625, MeSH D005199, MONDO:0019391.

Allele frequency attached by ClinVar (database versions not stated): gnomAD exomes 0.00001 and 0.00002; ExAC 0.00003; gnomAD 0.00009; TOPMed 0.00012.
gnomAD v4.1: 17 of 1,614,074 alleles (0.0011%); highest among the groups gnomAD compares: African/African-American, 0.021%; no homozygotes.

Submissions (7):

GeneDx
Classification: Uncertain significance. Last evaluated: 2025-04-28. Review status: criteria provided, single submitter. Criteria: GeneDx Variant Classification Process June 2021. Collection method: clinical testing. Allele origin: germline. Affected: yes.
Comment: In silico analysis supports that this missense variant has a deleterious effect on protein structure/function; Has not been previously published as pathogenic or benign to our knowledge; This variant is associated with the following publications: (PMID: Gordon2000[Book])

Labcorp Genetics (formerly Invitae), Labcorp
Classification: Uncertain significance for Fanconi anemia. Last evaluated: 2024-11-19. Review status: criteria provided, single submitter. Criteria: Invitae Variant Classification Sherloc (09022015). Collection method: clinical testing. Allele origin: germline.
Comment: This sequence change replaces serine, which is neutral and polar, with glycine, which is neutral and non-polar, at codon 249 of the FANCC protein (p.Ser249Gly). This variant is present in population databases (rs539583288, gnomAD 0.02%). This variant has not been reported in the literature in individuals affected with FANCC-related conditions. ClinVar contains an entry for this variant (Variation ID: 420182). Invitae Evidence Modeling of protein sequence and biophysical properties (such as structural, functional, and spatial information, amino acid conservation, physicochemical variation, residue mobility, and thermodynamic stability) has been performed for this missense variant. However, the output from this modeling did not meet the statistical confidence thresholds required to predict the impact of this variant on FANCC protein function. In summary, the available evidence is currently insufficient to determine the role of this variant in disease. Therefore, it has been classified as a Variant of Uncertain Significance.

Fulgent Genetics
Classification: Uncertain significance for Fanconi anemia complementation group C. Last evaluated: 2024-04-10. Review status: criteria provided, single submitter. Criteria: ACMG Guidelines, 2015. Collection method: clinical testing. Allele origin: germline.

Quest Diagnostics Nichols Institute San Juan Capistrano
Classification: Uncertain significance. Last evaluated: 2023-05-04. Review status: criteria provided, single submitter. Criteria: Quest Diagnostics criteria. Collection method: clinical testing. Allele origin: unknown.
Comment: The variant has not been reported in the published literature. The frequency of this variant in the general population, 0.00024 (6/24956 chromosomes), is uninformative in assessment of its pathogenicity. Analysis of this variant using bioinformatics tools for the prediction of the effect of amino acid changes on protein structure and function yielded predictions that this variant is damaging. Based on the available information, we are unable to determine the clinical significance of this variant.

Ambry Genetics
Classification: Uncertain significance for Hereditary cancer-predisposing syndrome. Last evaluated: 2023-02-27. Review status: criteria provided, single submitter. Criteria: Ambry Variant Classification Scheme 2023. Collection method: clinical testing. Allele origin: germline.
Comment: The p.S249G variant (also known as c.745A>G), located in coding exon 7 of the FANCC gene, results from an A to G substitution at nucleotide position 745. The serine at codon 249 is replaced by glycine, an amino acid with similar properties. This amino acid position is highly conserved in available vertebrate species. In addition, the in silico prediction for this alteration is inconclusive. Since supporting evidence is limited at this time, the clinical significance of this alteration remains unclear.

Sema4
Classification: Uncertain significance for Fanconi anemia. Last evaluated: 2021-07-27. Review status: criteria provided, single submitter. Criteria: Sema4 Curation Guidelines. Collection method: curation. Allele origin: germline.
Comment: The FANCC c.745A>G (p.S249G) variant has not been reported in the literature to our knowledge. It was observed in 6/24956 chromosomes of the African/African American subpopulation in the large and broad cohorts of the Genome Aggregation Database (PMID: 32461654). The variant has been reported in ClinVar (Variation ID 420182). Functional studies have not been performed and in silico tool predictions of the variants effect on protein function are inconclusive. The evidence is insufficient to meet ACMG/AMP criteria for classifying the variant as benign or pathogenic. Thus, the clinical significance of this variant is currently uncertain.

Natera, Inc.
Classification: Uncertain significance for Fanconi anemia, group C. Last evaluated: 2020-09-16. Review status: no assertion criteria provided. Collection method: clinical testing. Allele origin: germline. Not counted in ClinVar's aggregate classification.

NM_000136.3(FANCC):c.745A>G (p.Ser249Gly)

Genes: AOPEP (aminopeptidase O (putative); plus strand), FANCC (FA complementation group C; minus strand). Cytogenetic location: 9q22.32.
Variant type: single nucleotide variant.
Coding change: c.745A>G on transcript NM_000136.3 (MANE Select); coding-DNA position 745, A replaced by G.
Protein change: p.Ser249Gly; replaces serine 249 with glycine.
Molecular consequence: missense variant.
Genome position (GRCh38, 1-based): chr9:95,135,444, T>C on the plus strand (A>G on the coding strand, the complement: FANCC is on the minus strand). VCF-style: chr9-95135444-T-C. GRCh37 (hg19) VCF-style: chr9-97897726-T-C.
Other names: c.745A>G, p.Ser249Gly (NM_001243743.2, NM_001243744.2); short protein forms S249G.
Identifiers: ClinVar variation 420182 (VCV000420182.23), dbSNP rs539583288, ClinGen allele CA5137639.